The following is an entry in ClinVar:

ClinVar aggregate classification (germline): Benign/Likely benign. Review status: criteria provided, multiple submitters, no conflicts (2 of 4 stars). 10 submissions from 10 submitters: Benign (3); Likely benign (4). 3 of the submissions do not count toward it. Last evaluated 2026-02-02.

Conditions:
Autoinflammatory syndrome. Identifiers: Orphanet 93665, MedGen C3890737, MONDO:0019751.
Hermansky-Pudlak syndrome 2 (HPS2). Also called: Platelet defects and oculocutaneous albinism. Identifiers: Orphanet 183678, Orphanet 79430, MedGen C1842362, MONDO:0011997, OMIM 608233.

Allele frequency attached by ClinVar (database versions not stated): 1000 Genomes Project 30x 0.00250; 1000 Genomes Project 0.00280; ExAC 0.00419; ESP Exome Variant Server 0.00431; gnomAD exomes 0.00460 and 0.00552; TOPMed 0.00514; gnomAD 0.00519 and 0.00528.
gnomAD v4.1: 8,868 of 1,614,064 alleles (0.55%); highest among the groups gnomAD compares: Admixed American, 0.7%; 32 homozygotes.

Submissions (10):

Labcorp Genetics (formerly Invitae), Labcorp
Classification: Benign for Hermansky-Pudlak syndrome 2. Last evaluated: 2026-02-02. Review status: criteria provided, single submitter. Criteria: Invitae Variant Classification Sherloc (09022015). Collection method: clinical testing. Allele origin: germline.

CeGaT Center for Human Genetics Tuebingen
Classification: Likely benign. Last evaluated: 2026-01-01. Review status: criteria provided, single submitter. Criteria: CeGaT Center For Human Genetics Tuebingen Variant Classification Criteria Version 2. Collection method: clinical testing. Allele origin: germline. Affected: yes. Observed: 8 variant alleles.
Comment: AP3B1: BP4, BP7, BS2

Mayo Clinic Laboratories, Mayo Clinic
Classification: Benign. Last evaluated: 2024-12-16. Review status: criteria provided, single submitter. Criteria: ACMG Guidelines, 2015. Collection method: clinical testing. Allele origin: germline. Observed: 19 variant alleles.
Comment: BS1, BS2, BP4, BP7

Blueprint Genetics
Classification: Likely benign. Last evaluated: 2024-11-22. Review status: criteria provided, single submitter. Criteria: ACMG Guidelines, 2015. Collection method: clinical testing. Allele origin: germline.

Genetic Services Laboratory, University of Chicago
Classification: Likely benign. Last evaluated: 2018-06-05. Review status: criteria provided, single submitter. Criteria: ACMG Guidelines, 2015. Collection method: clinical testing. Allele origin: germline. Affected: no.

Genome Diagnostics Laboratory, The Hospital for Sick Children
Classification: Likely benign for Autoinflammatory syndrome. Last evaluated: 2017-01-19. Review status: criteria provided, single submitter. Criteria: ACMG Guidelines, 2015. Collection method: clinical testing. Allele origin: germline. Affected: yes.

Laboratory for Molecular Medicine, Mass General Brigham Personalized Medicine
Classification: Benign. Last evaluated: 2013-02-21. Review status: criteria provided, single submitter. Criteria: LMM Criteria. Collection method: clinical testing. Allele origin: germline. Observed: 1 variant allele.
Comment: Thr439Thr in exon 13 of AP3B1: This variant is not expected to have clinical sig nificance because it does not alter an amino acid residue and is not located wit hin the splice consensus sequence. It has been identified in 0.5% (47/8600) of E uropean American chromosomes from a broad population by the NHLBI Exome Sequenci ng Project (dbSNP rs75248449).

Clinical Genetics DNA and cytogenetics Diagnostics Lab, Erasmus MC, Erasmus Medical Center
Classification: Likely benign. Review status: no assertion criteria provided. Collection method: clinical testing. Allele origin: germline. Affected: yes. Study: VKGL Data-share Consensus. Not counted in ClinVar's aggregate classification.

Clinical Genetics, Academic Medical Center
Classification: Benign. Review status: no assertion criteria provided. Collection method: clinical testing. Allele origin: germline. Affected: yes. Study: VKGL Data-share Consensus. Not counted in ClinVar's aggregate classification.

Laboratory of Diagnostic Genome Analysis, Leiden University Medical Center (LUMC)
Classification: Likely benign. Review status: no assertion criteria provided. Collection method: clinical testing. Allele origin: germline. Affected: yes. Study: VKGL Data-share Consensus. Not counted in ClinVar's aggregate classification.

NM_003664.5(AP3B1):c.1317T>G (p.Thr439=)

Gene: AP3B1 (adaptor related protein complex 3 subunit beta 1; minus strand). Cytogenetic location: 5q14.1.
Variant type: single nucleotide variant.
Coding change: c.1317T>G on transcript NM_003664.5 (MANE Select); coding-DNA position 1317, T replaced by G.
Protein change: p.Thr439=; no amino-acid change (threonine 439 retained).
Molecular consequence: synonymous variant.
Genome position (GRCh38, 1-based): chr5:78,162,865, A>C on the plus strand (T>G on the coding strand, the complement: AP3B1 is on the minus strand). VCF-style: chr5-78162865-A-C. GRCh37 (hg19) VCF-style: chr5-77458689-A-C.
Other names: p.Thr439=; c.1170T>G, p.Thr390= (NM_001271769.2).
Identifiers: ClinVar variation 178704 (VCV000178704.55), dbSNP rs75248449, ClinGen allele CA182818.